The following is an entry in ClinVar:

ClinVar aggregate classification (germline): Uncertain significance (1 of 4 stars; one submission).

Allele frequency attached by ClinVar (database versions not stated): gnomAD exomes below 0.00001.
gnomAD v4.1: 1 of 1,614,118 alleles (0.000062%); highest among the groups gnomAD compares: Non-Finnish European, 0.000085%; no homozygotes.

Submission:

Labcorp Genetics (formerly Invitae), Labcorp
Classification: Uncertain significance. Last evaluated: 2019-11-28. Review status: criteria provided, single submitter. Criteria: Invitae Variant Classification Sherloc (09022015). Collection method: clinical testing. Allele origin: germline.
Comment: In summary, the available evidence is currently insufficient to determine the role of this variant in disease. Therefore, it has been classified as a Variant of Uncertain Significance. Algorithms developed to predict the effect of missense changes on protein structure and function are either unavailable or do not agree on the potential impact of this missense change (SIFT: "Tolerated"; PolyPhen-2: "Not Available"; Align-GVGD: "Class C0"). This variant has not been reported in the literature in individuals with ZNF408-related conditions. This variant is not present in population databases (ExAC no frequency). This sequence change replaces leucine with serine at codon 9 of the ZNF408 protein (p.Leu9Ser). The leucine residue is weakly conserved and there is a large physicochemical difference between leucine and serine.

NM_024741.3(ZNF408):c.26T>C (p.Leu9Ser)

Genes: ZNF408 (zinc finger protein 408; plus strand), LOC130005659 (ATAC-STARR-seq lymphoblastoid active region 4684; plus strand). Cytogenetic location: 11p11.2.
Variant type: single nucleotide variant.
Coding change: c.26T>C on transcript NM_024741.3 (MANE Select); coding-DNA position 26, T replaced by C.
Protein change: p.Leu9Ser; replaces leucine 9 with serine.
Molecular consequence: missense variant. On other transcripts: 5 prime UTR variant (1).
Genome position (GRCh38, 1-based): chr11:46,701,073, T>C. VCF-style: chr11-46701073-T-C. GRCh37 (hg19) VCF-style: chr11-46722623-T-C.
Other names: c.-41T>C (NM_001184751.2); short protein forms L9S.
Identifiers: ClinVar variation 846343 (VCV000846343.10), dbSNP rs1565693068, ClinGen allele CA380251357.